The following is an entry in ClinVar:

NM_018055.5(NODAL):c.850G>T (p.Val284Phe)

Gene: NODAL (nodal growth differentiation factor; minus strand). Cytogenetic location: 10q22.1.
Variant type: single nucleotide variant.
Coding change: c.850G>T on transcript NM_018055.5 (MANE Select); coding-DNA position 850, G replaced by T.
Protein change: p.Val284Phe; replaces valine 284 with phenylalanine.
Molecular consequence: missense variant.
Genome position (GRCh38, 1-based): chr10:70,435,327, C>A on the plus strand (G>T on the coding strand, the complement: NODAL is on the minus strand). VCF-style: chr10-70435327-C-A. GRCh37 (hg19) VCF-style: chr10-72195083-C-A.
Other names: c.451G>T, p.Val151Phe (NM_001329906.2); short protein forms V284F, V151F.
Identifiers: ClinVar variation 3630286 (VCV003630286.2).

ClinVar aggregate classification (germline): Uncertain significance (1 of 4 stars; one submission).

Conditions:
Heterotaxy, visceral, 5, autosomal (HTX5). Also called: Heterotaxy, visceral, 5. Identifiers: Orphanet 450, MedGen C3495537, MONDO:0700112, OMIM 270100.

gnomAD v4.1: 3 of 1,613,698 alleles (0.00019%); highest among the groups gnomAD compares: Non-Finnish European, 0.00025%; no homozygotes.

Submission:

Labcorp Genetics (formerly Invitae), Labcorp
Classification: Uncertain significance for Heterotaxy, visceral, 5, autosomal. Last evaluated: 2024-12-12. Review status: criteria provided, single submitter. Criteria: Invitae Variant Classification Sherloc (09022015). Collection method: clinical testing. Allele origin: germline.
Comment: This sequence change replaces valine, which is neutral and non-polar, with phenylalanine, which is neutral and non-polar, at codon 284 of the NODAL protein (p.Val284Phe). This variant is present in population databases (no rsID available, gnomAD 0.007%). This missense change has been observed in individual(s) with NODAL-related conditions (PMID: 19064609). Invitae Evidence Modeling of protein sequence and biophysical properties (such as structural, functional, and spatial information, amino acid conservation, physicochemical variation, residue mobility, and thermodynamic stability) indicates that this missense variant is not expected to disrupt NODAL protein function with a negative predictive value of 80%. Experimental studies have shown that this missense change affects NODAL function (PMID: 19064609, 19553149). In summary, the available evidence is currently insufficient to determine the role of this variant in disease. Therefore, it has been classified as a Variant of Uncertain Significance.

Literature cited by the submitters: PubMed 19064609; PubMed 19553149.